The following is an entry in ClinVar:

ClinVar aggregate classification (germline): Uncertain significance. Review status: criteria provided, multiple submitters, no conflicts (2 of 4 stars). 3 submissions from 3 submitters: Uncertain significance (3). Last evaluated 2024-04-17.

Conditions:
Inborn genetic diseases. Identifiers: MedGen C0950123, MeSH D030342.
Epidermolysis bullosa simplex 5B, with muscular dystrophy (EBS5B). Also called: EPIDERMOLYSIS BULLOSA SIMPLEX AND LIMB-GIRDLE MUSCULAR DYSTROPHY; Epidermolysis bullosa simplex with muscular dystrophy. Identifiers: Orphanet 257, MedGen C2931072, MONDO:0009181, OMIM 226670.
Epidermolysis bullosa simplex, Ogna type (EBS5A). Also called: Pidermolysis bullosa simplex 5A, Ogna type; EPIDERMOLYSIS BULLOSA SIMPLEX 5A, OGNA TYPE. Identifiers: Orphanet 79401, MedGen C0432317, MONDO:0007555, OMIM 131950.
Epidermolysis bullosa simplex with nail dystrophy (EBS5D). Identifiers: MedGen C4225309, MONDO:0014661, OMIM 616487.
Autosomal recessive limb-girdle muscular dystrophy type 2Q (LGMDR17). Also called: MUSCULAR DYSTROPHY, LIMB-GIRDLE, AUTOSOMAL RECESSIVE 17. Identifiers: Orphanet 254361, MedGen C3150989, MONDO:0013390, OMIM 613723.
Epidermolysis bullosa simplex 5C, with pyloric atresia (EBS5C). Also called: PLEC1-Related Epidermolysis Bullosa with Pyloric Atresia; Epidermolysis bullosa simplex with pyloric atresia; PLEC-Related Epidermolysis Bullosa with Pyloric Atresia. Identifiers: Orphanet 158684, MedGen C2677349, MONDO:0012807, OMIM 612138.

Allele frequency attached by ClinVar (database versions not stated): TOPMed below 0.00001; gnomAD 0.00001; gnomAD exomes 0.00001; ExAC 0.00007.
gnomAD v4.1: 21 of 1,551,534 alleles (0.0014%); highest among the groups gnomAD compares: South Asian, 0.0035%; 1 homozygote.

Submissions (3):

Labcorp Genetics (formerly Invitae), Labcorp
Classification: Uncertain significance for Autosomal recessive limb-girdle muscular dystrophy type 2Q; Epidermolysis bullosa simplex, Ogna type; Epidermolysis bullosa simplex with nail dystrophy; Epidermolysis bullosa simplex 5C, with pyloric atresia; Epidermolysis bullosa simplex 5B, with muscular dystrophy. Last evaluated: 2024-04-17. Review status: criteria provided, single submitter. Criteria: Invitae Variant Classification Sherloc (09022015). Collection method: clinical testing. Allele origin: germline.
Comment: This sequence change replaces glutamic acid, which is acidic and polar, with lysine, which is basic and polar, at codon 1553 of the PLEC protein (p.Glu1553Lys). This variant is present in population databases (rs782391966, gnomAD 0.004%). This variant has not been reported in the literature in individuals affected with PLEC-related conditions. ClinVar contains an entry for this variant (Variation ID: 1807406). Experimental studies and prediction algorithms are not available or were not evaluated, and the functional significance of this variant is currently unknown. In summary, the available evidence is currently insufficient to determine the role of this variant in disease. Therefore, it has been classified as a Variant of Uncertain Significance.

Ambry Genetics
Classification: Uncertain significance for Inborn genetic diseases. Last evaluated: 2024-01-04. Review status: criteria provided, single submitter. Criteria: Ambry Variant Classification Scheme 2023. Collection method: clinical testing. Allele origin: germline.

Athena Diagnostics
Classification: Uncertain significance. Last evaluated: 2022-02-16. Review status: criteria provided, single submitter. Criteria: Athena Diagnostics Criteria. Collection method: clinical testing. Allele origin: unknown.

NM_201384.3(PLEC):c.4576G>A (p.Glu1526Lys)

Gene: PLEC (plectin; minus strand). Cytogenetic location: 8q24.3.
Variant type: single nucleotide variant.
Coding change: c.4576G>A on transcript NM_201384.3 (MANE Select); coding-DNA position 4576, G replaced by A.
Protein change: p.Glu1526Lys; replaces glutamic acid 1526 with lysine.
Molecular consequence: missense variant.
Genome position (GRCh38, 1-based): chr8:143,925,353, C>T on the plus strand (G>A on the coding strand, the complement: PLEC is on the minus strand). VCF-style: chr8-143925353-C-T. GRCh37 (hg19) VCF-style: chr8-144999521-C-T.
Other names: c.4657G>A, p.Glu1553Lys (NM_000445.5); c.4534G>A, p.Glu1512Lys (NM_201378.4); c.4510G>A, p.Glu1504Lys (NM_201379.3); c.4987G>A, p.Glu1663Lys (NM_201380.4); c.4480G>A, p.Glu1494Lys (NM_201381.3); c.4576G>A, p.Glu1526Lys (NM_201382.4); c.4588G>A, p.Glu1530Lys (NM_201383.3); short protein forms E1494K, E1504K, E1512K, E1526K, E1530K, E1553K, E1663K.
Identifiers: ClinVar variation 1807406 (VCV001807406.7), dbSNP rs782391966, ClinGen allele CA4926615.